The following is an entry in ClinVar:

ClinVar aggregate classification (germline): Uncertain significance (1 of 4 stars; one submission).

gnomAD v4.1: 1 of 1,608,086 alleles (0.000062%); highest among the groups gnomAD compares: Non-Finnish European, 0.000085%; no homozygotes.

Submission:

Labcorp Genetics (formerly Invitae), Labcorp
Classification: Uncertain significance. Last evaluated: 2022-07-06. Review status: criteria provided, single submitter. Criteria: Invitae Variant Classification Sherloc (09022015). Collection method: clinical testing. Allele origin: germline.
Comment: In summary, the available evidence is currently insufficient to determine the role of this variant in disease. Therefore, it has been classified as a Variant of Uncertain Significance. Algorithms developed to predict the effect of missense changes on protein structure and function (SIFT, PolyPhen-2, Align-GVGD) all suggest that this variant is likely to be tolerated. This variant has not been reported in the literature in individuals affected with DOCK6-related conditions. This variant is not present in population databases (gnomAD no frequency). This sequence change replaces aspartic acid, which is acidic and polar, with histidine, which is basic and polar, at codon 303 of the DOCK6 protein (p.Asp303His).

NM_020812.4(DOCK6):c.907G>C (p.Asp303His)

Gene: DOCK6 (dedicator of cytokinesis 6; minus strand). Cytogenetic location: 19p13.2.
Variant type: single nucleotide variant.
Coding change: c.907G>C on transcript NM_020812.4 (MANE Select); coding-DNA position 907, G replaced by C.
Protein change: p.Asp303His; replaces aspartic acid 303 with histidine.
Molecular consequence: missense variant.
Genome position (GRCh38, 1-based): chr19:11,245,679, C>G on the plus strand (G>C on the coding strand, the complement: DOCK6 is on the minus strand). VCF-style: chr19-11245679-C-G. GRCh37 (hg19) VCF-style: chr19-11356355-C-G.
Other names: c.907G>C, p.Asp303His (NM_001367830.1); short protein forms D303H.
Identifiers: ClinVar variation 2030638 (VCV002030638.4), dbSNP rs2513170334, ClinGen allele CA404112583.